The following is an entry in ClinVar:

NM_004560.4(ROR2):c.1079G>C (p.Gly360Ala)

Gene: ROR2 (ROR family WNT receptor 2; minus strand). Cytogenetic location: 9q22.31.
Variant type: single nucleotide variant.
Coding change: c.1079G>C on transcript NM_004560.4 (MANE Select); coding-DNA position 1079, G replaced by C.
Protein change: p.Gly360Ala; replaces glycine 360 with alanine.
Molecular consequence: missense variant.
Genome position (GRCh38, 1-based): chr9:91,731,014, C>G on the plus strand (G>C on the coding strand, the complement: ROR2 is on the minus strand). VCF-style: chr9-91731014-C-G. GRCh37 (hg19) VCF-style: chr9-94493296-C-G.
Other names: c.1079G>C, p.Gly360Ala (NM_001318204.2); short protein forms G360A.
Identifiers: ClinVar variation 2659300 (VCV002659300.28), dbSNP rs200058508, ClinGen allele CA5120807.

ClinVar aggregate classification (germline): Uncertain significance. Review status: criteria provided, multiple submitters, no conflicts (2 of 4 stars). 3 submissions from 3 submitters: Uncertain significance (3). Last evaluated 2024-04-30.

gnomAD v4.1: 12 of 1,614,056 alleles (0.00074%); highest among the groups gnomAD compares: African/African-American, 0.0067%; no homozygotes.

Submissions (3):

Labcorp Genetics (formerly Invitae), Labcorp
Classification: Uncertain significance. Last evaluated: 2024-04-30. Review status: criteria provided, single submitter. Criteria: Invitae Variant Classification Sherloc (09022015). Collection method: clinical testing. Allele origin: germline.
Comment: This sequence change replaces glycine, which is neutral and non-polar, with alanine, which is neutral and non-polar, at codon 360 of the ROR2 protein (p.Gly360Ala). This variant is present in population databases (rs200058508, gnomAD 0.006%). This variant has not been reported in the literature in individuals affected with ROR2-related conditions. ClinVar contains an entry for this variant (Variation ID: 2659300). Advanced modeling of protein sequence and biophysical properties (such as structural, functional, and spatial information, amino acid conservation, physicochemical variation, residue mobility, and thermodynamic stability) has been performed at Invitae for this missense variant, however the output from this modeling did not meet the statistical confidence thresholds required to predict the impact of this variant on ROR2 protein function. In summary, the available evidence is currently insufficient to determine the role of this variant in disease. Therefore, it has been classified as a Variant of Uncertain Significance.

Revvity Omics, Revvity
Classification: Uncertain significance. Last evaluated: 2023-11-30. Review status: criteria provided, single submitter. Criteria: ACMG Guidelines, 2015. Collection method: clinical testing. Allele origin: germline.

CeGaT Center for Human Genetics Tuebingen
Classification: Uncertain significance. Last evaluated: 2023-07-01. Review status: criteria provided, single submitter. Criteria: CeGaT Center For Human Genetics Tuebingen Variant Classification Criteria Version 2. Collection method: clinical testing. Allele origin: germline. Affected: yes. Observed: 1 variant allele.